The following is an entry in ClinVar:

ClinVar aggregate classification (germline): Benign (1 of 4 stars; one submission).

Allele frequency attached by ClinVar (database versions not stated): TOPMed 0.99994; 1000 Genomes Project 1.00000; gnomAD 0.99990.

Submission:

GeneDx
Classification: Benign. Last evaluated: 2018-06-16. Review status: criteria provided, single submitter. Criteria: GeneDx Variant Classification (06012015). Collection method: clinical testing. Allele origin: germline. Affected: yes.
Comment: This variant is considered likely benign or benign based on one or more of the following criteria: it is a conservative change, it occurs at a poorly conserved position in the protein, it is predicted to be benign by multiple in silico algorithms, and/or has population frequency not consistent with disease.

NM_198576.3(AGRN):c.-340T>C

Genes: AGRN (agrin; plus strand), LOC129929075 (ATAC-STARR-seq lymphoblastoid silent region 18; plus strand). Cytogenetic location: 1p36.33.
Variant type: single nucleotide variant.
Coding change: c.-340T>C on transcript NM_198576.3; 340 bases upstream of the start codon, T replaced by C.
Genome position (GRCh38, 1-based): chr1:1,019,833, T>C. VCF-style: chr1-1019833-T-C. GRCh37 (hg19) VCF-style: chr1-955213-T-C.
Identifiers: ClinVar variation 667960 (VCV000667960.3), dbSNP rs78276138, ClinGen allele CA16044529.